The following is an entry in ClinVar:

NM_015021.3(ZNF292):c.6281G>A (p.Arg2094Gln)

Gene: ZNF292 (zinc finger protein 292; plus strand). Cytogenetic location: 6q14.3.
Variant type: single nucleotide variant.
Coding change: c.6281G>A on transcript NM_015021.3 (MANE Select); coding-DNA position 6281, G replaced by A.
Protein change: p.Arg2094Gln; replaces arginine 2094 with glutamine.
Molecular consequence: missense variant.
Genome position (GRCh38, 1-based): chr6:87,259,910, G>A. VCF-style: chr6-87259910-G-A. GRCh37 (hg19) VCF-style: chr6-87969628-G-A.
Other names: c.5861G>A, p.Arg1954Gln (NM_001351444.2); short protein forms R1954Q, R2094Q.
Identifiers: ClinVar variation 2257129 (VCV002257129.26), dbSNP rs746371148, ClinGen allele CA3914607.

ClinVar aggregate classification (germline): Conflicting classifications of pathogenicity. Review status: criteria provided, conflicting classifications (1 of 4 stars). 2 submissions from 2 submitters: Uncertain significance (1); Likely benign (1). Last evaluated 2023-09-01.

Conditions:
Inborn genetic diseases. Identifiers: MedGen C0950123, MeSH D030342.

Allele frequency attached by ClinVar (database versions not stated): ExAC 0.00001; gnomAD exomes 0.00004; gnomAD 0.00007.
gnomAD v4.1: 74 of 1,613,402 alleles (0.0046%); highest among the groups gnomAD compares: Admixed American, 0.027%; no homozygotes.

Submissions (2):

CeGaT Center for Human Genetics Tuebingen
Classification: Likely benign. Last evaluated: 2023-09-01. Review status: criteria provided, single submitter. Criteria: CeGaT Center For Human Genetics Tuebingen Variant Classification Criteria Version 2. Collection method: clinical testing. Allele origin: germline. Affected: yes. Observed: 1 variant allele.
Comment: ZNF292: BP4, BS2

Ambry Genetics
Classification: Uncertain significance for Inborn genetic diseases. Last evaluated: 2021-10-26. Review status: criteria provided, single submitter. Criteria: Ambry Variant Classification Scheme 2023. Collection method: clinical testing. Allele origin: germline.